The following is an entry in ClinVar:

NM_001113378.2(FANCI):c.660C>G (p.Leu220=)

Gene: FANCI (FA complementation group I; plus strand). Cytogenetic location: 15q26.1.
Variant type: single nucleotide variant.
Coding change: c.660C>G on transcript NM_001113378.2 (MANE Select); coding-DNA position 660, C replaced by G.
Protein change: p.Leu220=; no amino-acid change (leucine 220 retained).
Molecular consequence: synonymous variant.
Genome position (GRCh38, 1-based): chr15:89,264,017, C>G. VCF-style: chr15-89264017-C-G. GRCh37 (hg19) VCF-style: chr15-89807248-C-G.
Other names: c.381C>G, p.Leu127= (NM_001376910.1); c.660C>G, p.Leu220= (NM_001376911.1, NM_018193.3).
Identifiers: ClinVar variation 2733903 (VCV002733903.5), dbSNP rs2052831015, ClinGen allele CA492065516.

ClinVar aggregate classification (germline): Likely benign. Review status: criteria provided, single submitter (1 of 4 stars). 2 submissions from 2 submitters: Likely benign (1). 1 of the submissions does not count toward it. Last evaluated 2023-01-08.

Conditions:
Fanconi anemia (FA). Also called: Fanconi's anemia. Identifiers: Orphanet 84, MedGen C0015625, MeSH D005199, MONDO:0019391.
FANCI-related disorder. Also called: FANCI-related condition.

gnomAD v4.1: 3 of 1,614,074 alleles (0.00019%); highest among the groups gnomAD compares: African/African-American, 0.0013%; no homozygotes.

Submissions (2):

Labcorp Genetics (formerly Invitae), Labcorp
Classification: Likely benign for Fanconi anemia. Last evaluated: 2023-01-08. Review status: criteria provided, single submitter. Criteria: Invitae Variant Classification Sherloc (09022015). Collection method: clinical testing. Allele origin: germline.

PreventionGenetics, part of Exact Sciences
Classification: Likely benign for FANCI-related condition. Last evaluated: 2019-05-30. Review status: no assertion criteria provided. Collection method: clinical testing. Allele origin: germline. Not counted in ClinVar's aggregate classification.
Comment: This variant is classified as likely benign based on ACMG/AMP sequence variant interpretation guidelines (Richards et al. 2015 PMID: 25741868, with internal and published modifications).